The following is an entry in ClinVar:

ClinVar aggregate classification (germline): Conflicting classifications of pathogenicity. Review status: criteria provided, conflicting classifications (1 of 4 stars). 2 submissions from 2 submitters: Uncertain significance (1); Likely benign (1). Last evaluated 2024-04-25.

Conditions:
Hereditary cancer-predisposing syndrome. Also called: Hereditary neoplastic syndrome; Neoplastic Syndromes, Hereditary; Tumor predisposition; Hereditary Cancer Syndrome. Identifiers: Orphanet 140162, MedGen C0027672, MeSH D009386, MONDO:0015356.
Hereditary pheochromocytoma and paraganglioma. Also called: Hereditary Paraganglioma-Pheochromocytoma Syndromes; Hereditary pheochromocytoma-paraganglioma; Hereditary paragangliomas and pheochromocytomas. Identifiers: Orphanet 29072, MedGen C4274332, MONDO:0017366.

Submissions (2):

Ambry Genetics
Classification: Uncertain significance for Hereditary cancer-predisposing syndrome. Last evaluated: 2024-04-25. Review status: criteria provided, single submitter. Criteria: Ambry Variant Classification Scheme 2023. Collection method: clinical testing. Allele origin: germline.
Comment: The c.245-5T>G intronic variant results from a T to G substitution 5 nucleotides upstream from coding exon 2 in the TMEM127 gene. This nucleotide position is not well conserved in available vertebrate species. In silico splice site analysis predicts that this alteration will not have any significant effect on splicing. Based on the available evidence, the clinical significance of this variant remains unclear.

Labcorp Genetics (formerly Invitae), Labcorp
Classification: Likely benign for Hereditary pheochromocytoma and paraganglioma. Last evaluated: 2022-12-21. Review status: criteria provided, single submitter. Criteria: Invitae Variant Classification Sherloc (09022015). Collection method: clinical testing. Allele origin: germline.

NM_017849.4(TMEM127):c.245-5T>G

Gene: TMEM127 (transmembrane protein 127; minus strand). Cytogenetic location: 2q11.2.
Variant type: single nucleotide variant.
Coding change: c.245-5T>G on transcript NM_017849.4 (MANE Select); 5 bases into the intron before coding-DNA position 245, T replaced by G.
Molecular consequence: intron variant.
Genome position (GRCh38, 1-based): chr2:96,255,002, A>C on the plus strand (T>G on the coding strand, the complement: TMEM127 is on the minus strand). VCF-style: chr2-96255002-A-C. GRCh37 (hg19) VCF-style: chr2-96920740-A-C.
Other names: c.245-5T>G (NM_017849.3, NM_001193304.3); c.-8-5T>G (NM_001407283.1, NM_001407282.1).
Identifiers: ClinVar variation 2726052 (VCV002726052.4), dbSNP rs2467266797, ClinGen allele CA2577034256.